The following is an entry in ClinVar:

NM_015331.3(NCSTN):c.17G>T (p.Gly6Val)

Gene: NCSTN (nicastrin; plus strand). Cytogenetic location: 1q23.2.
Variant type: single nucleotide variant.
Coding change: c.17G>T on transcript NM_015331.3 (MANE Select); coding-DNA position 17, G replaced by T.
Protein change: p.Gly6Val; replaces glycine 6 with valine.
Molecular consequence: missense variant. On other transcripts: 5 prime UTR variant (1).
Genome position (GRCh38, 1-based): chr1:160,343,413, G>T. VCF-style: chr1-160343413-G-T. GRCh37 (hg19) VCF-style: chr1-160313203-G-T.
Other names: c.-183G>T (NM_001290184.2); c.17G>T, p.Gly6Val (NM_001290186.2, NM_001349729.2); short protein forms G6V.
Identifiers: ClinVar variation 4748160 (VCV004748160.1).

ClinVar aggregate classification (germline): Uncertain significance (1 of 4 stars; one submission).

gnomAD v4.1: 2 of 1,612,902 alleles (0.00012%); highest among the groups gnomAD compares: Admixed American, 0.0017%; no homozygotes.

Submission:

Labcorp Genetics (formerly Invitae), Labcorp
Classification: Uncertain significance. Last evaluated: 2025-06-25. Review status: criteria provided, single submitter. Criteria: Invitae Variant Classification Sherloc (09022015). Collection method: clinical testing. Allele origin: germline.
Comment: This sequence change replaces glycine, which is neutral and non-polar, with valine, which is neutral and non-polar, at codon 6 of the NCSTN protein (p.Gly6Val). This variant is not present in population databases (gnomAD no frequency). This variant has not been reported in the literature in individuals affected with NCSTN-related conditions. An algorithm developed to predict the effect of missense changes on protein structure and function (PolyPhen-2) suggests that this variant is likely to be tolerated. In summary, the available evidence is currently insufficient to determine the role of this variant in disease. Therefore, it has been classified as a Variant of Uncertain Significance.